The following is an entry in ClinVar:

ClinVar aggregate classification (germline): Conflicting classifications of pathogenicity. Review status: criteria provided, conflicting classifications (1 of 4 stars). 6 submissions from 6 submitters: Uncertain significance (1); Likely benign (4). 1 of the submissions does not count toward it. Last evaluated 2026-09-01.

Conditions:
AHI1-related disorder. Also called: AHI1-related condition.
Joubert syndrome. Also called: JOUBERT-BOLTSHAUSER SYNDROME; Familial aplasia of the vermis. Identifiers: Orphanet 475, MedGen C5979921, MONDO:0018772.

Allele frequency attached by ClinVar (database versions not stated): ExAC below 0.00001; gnomAD exomes 0.00004 and 0.00029; gnomAD 0.00012 and 0.00013; TOPMed 0.00012.
gnomAD v4.1: 76 of 1,533,986 alleles (0.005%); highest among the groups gnomAD compares: Admixed American, 0.14%; no homozygotes.

Submissions (6):

CeGaT Center for Human Genetics Tuebingen
Classification: Likely benign. Last evaluated: 2026-09-01. Review status: criteria provided, single submitter. Criteria: CeGaT Center For Human Genetics Tuebingen Variant Classification Criteria Version 2. Collection method: clinical testing. Allele origin: germline. Affected: yes. Observed: 1 variant allele.
Comment: AHI1: BP4, BP7

Mayo Clinic Laboratories, Mayo Clinic
Classification: Likely benign. Last evaluated: 2025-10-11. Review status: criteria provided, single submitter. Criteria: ACMG Guidelines, 2015. Collection method: clinical testing. Allele origin: germline. Observed: 1 variant allele.
Comment: BS1, BP4, BP7

Labcorp Genetics (formerly Invitae), Labcorp
Classification: Uncertain significance for Joubert syndrome. Last evaluated: 2022-11-01. Review status: criteria provided, single submitter. Criteria: Invitae Variant Classification Sherloc (09022015). Collection method: clinical testing. Allele origin: germline.
Comment: This sequence change affects codon 3 of the AHI1 mRNA. It is a 'silent' change, meaning that it does not change the encoded amino acid sequence of the AHI1 protein. It affects a nucleotide within the consensus splice site. This variant is present in population databases (rs761022642, gnomAD 0.2%). This variant has not been reported in the literature in individuals affected with AHI1-related conditions. ClinVar contains an entry for this variant (Variation ID: 510764). Algorithms developed to predict the effect of sequence changes on RNA splicing suggest that this variant is not likely to affect RNA splicing. In summary, the available evidence is currently insufficient to determine the role of this variant in disease. Therefore, it has been classified as a Variant of Uncertain Significance.

Blueprint Genetics
Classification: Likely benign. Last evaluated: 2020-03-25. Review status: criteria provided, single submitter. Criteria: ACMG Guidelines, 2015. Collection method: clinical testing. Allele origin: germline.

GeneDx
Classification: Likely benign. Last evaluated: 2020-01-23. Review status: criteria provided, single submitter. Criteria: GeneDx Variant Classification Process June 2021. Collection method: clinical testing. Allele origin: germline. Affected: yes.

PreventionGenetics, part of Exact Sciences
Classification: Likely benign for AHI1-related condition. Last evaluated: 2024-09-12. Review status: no assertion criteria provided. Collection method: clinical testing. Allele origin: germline. Not counted in ClinVar's aggregate classification.
Comment: This variant is classified as likely benign based on ACMG/AMP sequence variant interpretation guidelines (Richards et al. 2015 PMID: 25741868, with internal and published modifications).

NM_001134831.2(AHI1):c.9A>G (p.Thr3=)

Gene: AHI1 (Abelson helper integration site 1; minus strand). Cytogenetic location: 6q23.3.
Variant type: single nucleotide variant.
Coding change: c.9A>G on transcript NM_001134831.2 (MANE Select); coding-DNA position 9, A replaced by G.
Protein change: p.Thr3=; no amino-acid change (threonine 3 retained).
Molecular consequence: synonymous variant.
Genome position (GRCh38, 1-based): chr6:135,492,229, T>C on the plus strand (A>G on the coding strand, the complement: AHI1 is on the minus strand). VCF-style: chr6-135492229-T-C. GRCh37 (hg19) VCF-style: chr6-135813367-T-C.
Other names: p.Thr3=; c.9A>G, p.Thr3= (NM_001134830.2, NM_001134832.2, NM_001350503.2 and 2 more transcripts).
Identifiers: ClinVar variation 510764 (VCV000510764.10), dbSNP rs761022642, ClinGen allele CA4012991.